The following is an entry in ClinVar:

ClinVar aggregate classification (germline): Uncertain significance (1 of 4 stars; one submission).

Conditions:
F13A1-related disorder. Also called: F13A1-related condition.

gnomAD v4.1: 8 of 1,614,194 alleles (0.0005%); highest among the groups gnomAD compares: Non-Finnish European, 0.00068%; no homozygotes.

Submission:

PreventionGenetics, part of Exact Sciences
Classification: Uncertain significance for F13A1-related condition. Last evaluated: 2025-02-11. Review status: criteria provided, single submitter. Criteria: ACMG Guidelines, 2015. Collection method: clinical testing. Allele origin: germline.
Comment: The F13A1 c.1168T>C variant is predicted to result in the amino acid substitution p.Phe390Leu. To our knowledge, this variant has not been reported in the literature or in a large population database (gnomAD), indicating this variant is rare. At this time, the clinical significance of this variant is uncertain due to the absence of conclusive functional and genetic evidence.

NM_000129.4(F13A1):c.1168T>C (p.Phe390Leu)

Gene: F13A1 (coagulation factor XIII A chain; minus strand). Cytogenetic location: 6p25.1.
Variant type: single nucleotide variant.
Coding change: c.1168T>C on transcript NM_000129.4 (MANE Select); coding-DNA position 1168, T replaced by C.
Protein change: p.Phe390Leu; replaces phenylalanine 390 with leucine.
Molecular consequence: missense variant.
Genome position (GRCh38, 1-based): chr6:6,197,271, A>G on the plus strand (T>C on the coding strand, the complement: F13A1 is on the minus strand). VCF-style: chr6-6197271-A-G. GRCh37 (hg19) VCF-style: chr6-6197504-A-G.
Other names: short protein forms F390L.
Identifiers: ClinVar variation 4989677 (VCV004989677.1).
Genomic context (GRCh38, chr6:6,197,271, plus strand): 5'-ACACAGTTTTACCATCGCTATTTTCCTGGGGGGTGCTGTCCACAGCTTGCCAGCCTCCAA[A>G]TCCAACAGGAAGGTCAGGCCTTGTCATCCATGCTTCATTCCAGCAGTGGTAGTTCCTTAG-3'
Protein context (NP_000120.2, residues 380-400): WMTRPDLPVG[Phe390Leu]GGWQAVDSTP